The following is an entry in ClinVar:

ClinVar aggregate classification (germline): Likely benign (1 of 4 stars; one submission).

Allele frequency attached by ClinVar (database versions not stated): gnomAD 0.00982 and 0.01020; TOPMed 0.01090; 1000 Genomes Project 0.01098; 1000 Genomes Project 30x 0.01468.
gnomAD v4.1: 1,487 of 152,004 alleles (0.98%); highest among the groups gnomAD compares: African/African-American, 3.2%; 28 homozygotes.

Submission:

GeneDx
Classification: Likely benign. Last evaluated: 2018-06-16. Review status: criteria provided, single submitter. Criteria: GeneDx Variant Classification (06012015). Collection method: clinical testing. Allele origin: germline. Affected: yes.
Comment: This variant is considered likely benign or benign based on one or more of the following criteria: it is a conservative change, it occurs at a poorly conserved position in the protein, it is predicted to be benign by multiple in silico algorithms, and/or has population frequency not consistent with disease.

NM_001035.3(RYR2):c.2614-292T>G

Gene: RYR2 (ryanodine receptor 2; plus strand). Cytogenetic location: 1q43.
Variant type: single nucleotide variant.
Coding change: c.2614-292T>G on transcript NM_001035.3 (MANE Select); 292 bases into the intron before coding-DNA position 2614, T replaced by G.
Molecular consequence: intron variant.
Genome position (GRCh38, 1-based): chr1:237,506,418, T>G. VCF-style: chr1-237506418-T-G. GRCh37 (hg19) VCF-style: chr1-237669718-T-G.
Identifiers: ClinVar variation 673390 (VCV000673390.1), dbSNP rs543243355, ClinGen allele CA39782008.
Genomic context (GRCh38, chr1:237,506,418, plus strand): 5'-AAACCCCGTCTCTACTAAAAATACAAAAAAATTAGCCGGGCGTAGTGGTGGGCACCTGCA[T>G]TCCCAGCTACTCGGGAGGCTGAGGCAGGAGAATGGTGTGAACCCGAGAGGCGGAGCTTGC-3'